The following is an entry in ClinVar:

NM_006231.4(POLE):c.6292A>C (p.Asn2098His)

Gene: POLE (DNA polymerase epsilon, catalytic subunit; minus strand). Cytogenetic location: 12q24.33.
Variant type: single nucleotide variant.
Coding change: c.6292A>C on transcript NM_006231.4 (MANE Select); coding-DNA position 6292, A replaced by C.
Protein change: p.Asn2098His; replaces asparagine 2098 with histidine.
Molecular consequence: missense variant.
Genome position (GRCh38, 1-based): chr12:132,632,353, T>G on the plus strand (A>C on the coding strand, the complement: POLE is on the minus strand). VCF-style: chr12-132632353-T-G. GRCh37 (hg19) VCF-style: chr12-133208939-T-G.
Other names: short protein forms N2098H.
Identifiers: ClinVar variation 1504938 (VCV001504938.6), dbSNP rs2041949655, ClinGen allele CA387369353.

ClinVar aggregate classification (germline): Uncertain significance (1 of 4 stars; one submission).

Submission:

Labcorp Genetics (formerly Invitae), Labcorp
Classification: Uncertain significance. Last evaluated: 2022-08-23. Review status: criteria provided, single submitter. Criteria: Invitae Variant Classification Sherloc (09022015). Collection method: clinical testing. Allele origin: germline.
Comment: In summary, the available evidence is currently insufficient to determine the role of this variant in disease. Therefore, it has been classified as a Variant of Uncertain Significance. This sequence change replaces asparagine, which is neutral and polar, with histidine, which is basic and polar, at codon 2098 of the POLE protein (p.Asn2098His). This variant is not present in population databases (gnomAD no frequency). This variant has not been reported in the literature in individuals affected with POLE-related conditions. ClinVar contains an entry for this variant (Variation ID: 1504938). Algorithms developed to predict the effect of missense changes on protein structure and function (SIFT, PolyPhen-2, Align-GVGD) all suggest that this variant is likely to be tolerated.